The following is an entry in ClinVar:

NM_006420.3(ARFGEF2):c.1261G>A (p.Val421Ile)

Gene: ARFGEF2 (ARF guanine nucleotide exchange factor 2; plus strand). Cytogenetic location: 20q13.13.
Variant type: single nucleotide variant.
Coding change: c.1261G>A on transcript NM_006420.3 (MANE Select); coding-DNA position 1261, G replaced by A.
Protein change: p.Val421Ile; replaces valine 421 with isoleucine.
Molecular consequence: missense variant.
Genome position (GRCh38, 1-based): chr20:48,971,190, G>A. VCF-style: chr20-48971190-G-A. GRCh37 (hg19) VCF-style: chr20-47587727-G-A.
Other names: c.1258G>A, p.Val420Ile (NM_001410846.1); short protein forms V420I, V421I.
Identifiers: ClinVar variation 2428370 (VCV002428370.5), dbSNP rs746814084, ClinGen allele CA9898364.
Genomic context (GRCh38, chr20:48,971,190, plus strand): 5'-CTGCGTTCCAAGGTGGTTTCCCTGCAGCTGCTCCTCTCTGTGTTGCAAAATGCTGGCCCC[G>A]TATTCAGGACTCACGAGATGTTCATCAATGCAATCAAGCAATATCTCTGTGTGGCCTTGT-3'
Protein context (NP_006411.2, residues 411-431): LLSVLQNAGP[Val421Ile]FRTHEMFINA

ClinVar aggregate classification (germline): Uncertain significance (1 of 4 stars; one submission).

Allele frequency attached by ClinVar (database versions not stated): ExAC 0.00001; gnomAD exomes 0.00001.

Submission:

Labcorp Genetics (formerly Invitae), Labcorp
Classification: Uncertain significance. Last evaluated: 2024-02-24. Review status: criteria provided, single submitter. Criteria: Invitae Variant Classification Sherloc (09022015). Collection method: clinical testing. Allele origin: germline.
Comment: This sequence change replaces valine, which is neutral and non-polar, with isoleucine, which is neutral and non-polar, at codon 421 of the ARFGEF2 protein (p.Val421Ile). This variant is present in population databases (rs746814084, gnomAD 0.006%). This variant has not been reported in the literature in individuals affected with ARFGEF2-related conditions. ClinVar contains an entry for this variant (Variation ID: 2428370). An algorithm developed to predict the effect of missense changes on protein structure and function (PolyPhen-2) suggests that this variant is likely to be tolerated. In summary, the available evidence is currently insufficient to determine the role of this variant in disease. Therefore, it has been classified as a Variant of Uncertain Significance.